The following is an entry in ClinVar:

NM_172366.4(FBXO16):c.276T>C (p.Leu92=)

Gene: FBXO16 (F-box protein 16; minus strand). Cytogenetic location: 8p21.1.
Variant type: single nucleotide variant.
Coding change: c.276T>C on transcript NM_172366.4 (MANE Select); coding-DNA position 276, T replaced by C.
Protein change: p.Leu92=; no amino-acid change (leucine 92 retained).
Molecular consequence: synonymous variant.
Genome position (GRCh38, 1-based): chr8:28,463,678, A>G on the plus strand (T>C on the coding strand, the complement: FBXO16 is on the minus strand). VCF-style: chr8-28463678-A-G. GRCh37 (hg19) VCF-style: chr8-28321195-A-G.
Other names: c.240T>C, p.Leu80= (NM_001258211.2).
Identifiers: ClinVar variation 3234301 (VCV003234301.20), dbSNP rs1312786364, ClinGen allele CA460068349.

ClinVar aggregate classification (germline): Likely benign (1 of 4 stars; one submission).

Allele frequency attached by ClinVar (database versions not stated): gnomAD exomes below 0.00001.
gnomAD v4.1: 1 of 1,614,226 alleles (0.000062%); highest among the groups gnomAD compares: Non-Finnish European, 0.000085%; no homozygotes.

Submission:

CeGaT Center for Human Genetics Tuebingen
Classification: Likely benign. Last evaluated: 2026-05-01. Review status: criteria provided, single submitter. Criteria: CeGaT Center For Human Genetics Tuebingen Variant Classification Criteria Version 2. Collection method: clinical testing. Allele origin: germline. Affected: yes. Observed: 2 variant alleles.
Comment: FBXO16: BP4, BP7